The following is an entry in ClinVar:

NM_001184.4(ATR):c.558G>A (p.Met186Ile)

Gene: ATR (ATR serine/threonine kinase; minus strand). Cytogenetic location: 3q23.
Variant type: single nucleotide variant.
Coding change: c.558G>A on transcript NM_001184.4 (MANE Select); coding-DNA position 558, G replaced by A.
Protein change: p.Met186Ile; replaces methionine 186 with isoleucine.
Molecular consequence: missense variant.
Genome position (GRCh38, 1-based): chr3:142,562,844, C>T on the plus strand (G>A on the coding strand, the complement: ATR is on the minus strand). VCF-style: chr3-142562844-C-T. GRCh37 (hg19) VCF-style: chr3-142281686-C-T.
Other names: c.558G>A, p.Met186Ile (NM_001354579.2); short protein forms M186I.
Identifiers: ClinVar variation 3461695 (VCV003461695.1).

ClinVar aggregate classification (germline): Uncertain significance (1 of 4 stars; one submission).

Conditions:
Inborn genetic diseases. Identifiers: MedGen C0950123, MeSH D030342.

Submission:

Ambry Genetics
Classification: Uncertain significance for Inborn genetic diseases. Last evaluated: 2024-10-08. Review status: criteria provided, single submitter. Criteria: Ambry Variant Classification Scheme 2023. Collection method: clinical testing. Allele origin: germline.
Comment: The p.M186I variant (also known as c.558G>A), located in coding exon 4 of the ATR gene, results from a G to A substitution at nucleotide position 558. The methionine at codon 186 is replaced by isoleucine, an amino acid with highly similar properties. This amino acid position is conserved. In addition, this alteration is predicted to be tolerated by in silico analysis. Based on the available evidence, the clinical significance of this variant remains unclear.